The following is an entry in ClinVar:

ClinVar aggregate classification (germline): Pathogenic (1 of 4 stars; one submission).

Conditions:
Hereditary spastic paraplegia 4. Also called: Spastic Paraplegia 4; Spastic paraplegia 4, autosomal dominant; Familial spastic paraplegia autosomal dominant 2. Identifiers: Orphanet 100985, MedGen C1866855, MONDO:0008438, OMIM 182601.

Submission:

Labcorp Genetics (formerly Invitae), Labcorp
Classification: Pathogenic for Hereditary spastic paraplegia 4. Last evaluated: 2023-11-22. Review status: criteria provided, single submitter. Criteria: Invitae Variant Classification Sherloc (09022015). Collection method: clinical testing. Allele origin: germline.
Comment: This sequence change creates a premature translational stop signal (p.Asp313Glufs*4) in the SPAST gene. It is expected to result in an absent or disrupted protein product. Loss-of-function variants in SPAST are known to be pathogenic (PMID: 20932283). This variant is not present in population databases (gnomAD no frequency). This variant has not been reported in the literature in individuals affected with SPAST-related conditions. For these reasons, this variant has been classified as Pathogenic.

Literature cited by the submitters: PubMed 20932283.

NM_014946.4(SPAST):c.939_943del (p.Asp313fs)

Gene: SPAST (spastin; plus strand). Cytogenetic location: 2p22.3.
Variant type: Deletion.
Coding change: c.939_943del on transcript NM_014946.4 (MANE Select); coding-DNA positions 939 to 943, 5 bases deleted (CTTGA; older notation c.939_943delCTTGA).
Protein change: p.Asp313fs; shifts the reading frame from aspartic acid 313.
Molecular consequence: frameshift variant.
Genome position (GRCh38, 1-based): chr2:32,115,770-32,115,774, CTTGA deleted; deleting any 5 consecutive bases within chr2:32,115,768-32,115,774 gives the same sequence; the c. name uses the placement nearest the transcript's 3' end. VCF-style (leftmost placement, unchanged base first): chr2-32115767-AGACTT-A. GRCh37 (hg19) VCF-style: chr2-32340836-AGACTT-A.
Other names: c.936_940del, p.Asp312fs (NM_001363823.2); c.840_844del, p.Asp280fs (NM_001363875.2); c.843_847del, p.Asp281fs (NM_001377959.1, NM_199436.2); short protein forms D313fs, D281fs, D280fs, D312fs.
Identifiers: ClinVar variation 2865600 (VCV002865600.3), dbSNP rs2465838551, ClinGen allele CA2739274314.